The following is an entry in ClinVar:

NM_000077.5(CDKN2A):c.403G>A (p.Gly135Arg)

Gene: CDKN2A (cyclin dependent kinase inhibitor 2A; minus strand). Cytogenetic location: 9p21.3.
Variant type: single nucleotide variant.
Coding change: c.403G>A on transcript NM_000077.5; coding-DNA position 403, G replaced by A.
Protein change: p.Gly135Arg; replaces glycine 135 with arginine.
Molecular consequence: missense variant (on NM_000077.6). On other transcripts: 3 prime UTR variant (2).
Genome position (GRCh38, 1-based): chr9:21,970,956, C>T on the plus strand (G>A on the coding strand, the complement: CDKN2A is on the minus strand). VCF-style: chr9-21970956-C-T. GRCh37 (hg19) VCF-style: chr9-21970955-C-T.
Other names: c.403G>A, p.Gly135Arg (NM_000077.6, NM_001195132.2); c.250G>A, p.Gly84Arg (NM_001363763.2); c.*47G>A (NM_058195.4); c.*326G>A (NM_058197.5); short protein forms G135R, G84R.
Identifiers: ClinVar variation 928883 (VCV000928883.2), dbSNP rs1819686306, ClinGen allele CA373085908.

ClinVar aggregate classification (germline): Uncertain significance (1 of 4 stars; one submission).

Submission:

Women's Health and Genetics/Laboratory Corporation of America, LabCorp
Classification: Uncertain significance. Last evaluated: 2025-08-04. Review status: criteria provided, single submitter. Criteria: LabCorp Variant Classification Summary - May 2015. Collection method: clinical testing. Allele origin: germline.
Comment: Variant summary: CDKN2A c.403G>A (p.Gly135Arg) results in a non-conservative amino acid change in the encoded protein sequence. Algorithms developed to predict the effect of missense changes on protein structure and function are either unavailable or do not agree on the potential impact of this missense change. The variant was absent in 245834 control chromosomes. The available data on variant occurrences in the general population are insufficient to allow any conclusion about variant significance. To our knowledge, no occurrence of c.403G>A in individuals affected with Cutaneous Malignant Melanoma and no experimental evidence demonstrating its impact on protein function have been reported. ClinVar contains an entry for this variant (Variation ID: 928883). Based on the evidence outlined above, the variant was classified as uncertain significance.